The following is an entry in ClinVar:

NM_001374385.1(ATP8B1):c.1438C>T (p.Arg480Trp)

Gene: ATP8B1 (ATPase phospholipid transporting 8B1; minus strand). Cytogenetic location: 18q21.31.
Variant type: single nucleotide variant.
Coding change: c.1438C>T on transcript NM_001374385.1 (MANE Select); coding-DNA position 1438, C replaced by T.
Protein change: p.Arg480Trp; replaces arginine 480 with tryptophan.
Molecular consequence: missense variant.
Genome position (GRCh38, 1-based): chr18:57,685,107, G>A on the plus strand (C>T on the coding strand, the complement: ATP8B1 is on the minus strand). VCF-style: chr18-57685107-G-A. GRCh37 (hg19) VCF-style: chr18-55352339-G-A.
Other names: c.1288C>T, p.Arg430Trp (NM_001374386.1); c.1438C>T, p.Arg480Trp (NM_005603.6); short protein forms R480W, R430W.
Identifiers: ClinVar variation 500753 (VCV000500753.13), dbSNP rs142231389, ClinGen allele CA8974570.

ClinVar aggregate classification (germline): Conflicting classifications of pathogenicity. Review status: criteria provided, conflicting classifications (1 of 4 stars). 4 submissions from 4 submitters: Uncertain significance (3); Likely benign (1). Last evaluated 2026-02-11.

Conditions:
ATP8B1-related disorder. Also called: ATP8B1-related disorders; ATP8B1-related condition.
Progressive familial intrahepatic cholestasis type 1. Also called: Severe ATP8B1 Deficiency (Progressive Familial Intrahepatic Cholestasis Type 1 [PFIC1]); BYLER DISEASE; Byler's disease. Identifiers: Orphanet 79306, MedGen C4551898, MONDO:0008892, OMIM 211600.

Allele frequency attached by ClinVar (database versions not stated): gnomAD exomes 0.00004 and 0.00011; ExAC 0.00013; 1000 Genomes Project 30x 0.00031; gnomAD 0.00032; 1000 Genomes Project 0.00040; TOPMed 0.00044; ESP Exome Variant Server 0.00054.
gnomAD v4.1: 115 of 1,614,156 alleles (0.0071%); highest among the groups gnomAD compares: African/African-American, 0.13%; no homozygotes.

Submissions (4):

PreventionGenetics, part of Exact Sciences
Classification: Uncertain significance for ATP8B1-related condition. Last evaluated: 2026-02-11. Review status: criteria provided, single submitter. Criteria: ACMG Guidelines, 2015. Collection method: clinical testing. Allele origin: germline.
Comment: The ATP8B1 c.1438C>T variant is predicted to result in the amino acid substitution p.Arg480Trp. To our knowledge, this variant has not been reported in the literature. This variant is reported in 0.13% of alleles in individuals of African descent in gnomAD. Although we suspect that this variant may be benign, at this time, the clinical significance of this variant is uncertain due to the absence of conclusive functional and genetic evidence.

Labcorp Genetics (formerly Invitae), Labcorp
Classification: Likely benign. Last evaluated: 2026-01-30. Review status: criteria provided, single submitter. Criteria: Invitae Variant Classification Sherloc (09022015). Collection method: clinical testing. Allele origin: germline.

Eurofins Ntd Llc (ga)
Classification: Uncertain significance. Last evaluated: 2018-06-21. Review status: criteria provided, single submitter. Criteria: EGL ClinVar v180209 classification definitions. Collection method: clinical testing. Allele origin: germline. Observed: 2 variant alleles, 2 heterozygotes.

Illumina Laboratory Services, Illumina
Classification: Uncertain significance for Progressive familial intrahepatic cholestasis type 1. Last evaluated: 2018-01-12. Review status: criteria provided, single submitter. Criteria: ICSL Variant Classification Criteria 13 December 2019. Collection method: clinical testing. Allele origin: germline.